The following is an entry in ClinVar:

ClinVar aggregate classification (germline): Uncertain significance. Review status: criteria provided, multiple submitters, no conflicts (2 of 4 stars). 2 submissions from 2 submitters: Uncertain significance (2). Last evaluated 2024-11-01.

Submissions (2):

Blueprint Genetics
Classification: Uncertain significance. Last evaluated: 2024-11-01. Review status: criteria provided, single submitter. Criteria: ACMG Guidelines, 2015. Collection method: clinical testing. Allele origin: germline.

Labcorp Genetics (formerly Invitae), Labcorp
Classification: Uncertain significance. Last evaluated: 2022-12-06. Review status: criteria provided, single submitter. Criteria: Invitae Variant Classification Sherloc (09022015). Collection method: clinical testing. Allele origin: germline.
Comment: In summary, the available evidence is currently insufficient to determine the role of this variant in disease. Therefore, it has been classified as a Variant of Uncertain Significance. This missense change has been observed in individual(s) with clinical features of brachydactyly (Invitae). ClinVar contains an entry for this variant (Variation ID: 1479592). Advanced modeling of protein sequence and biophysical properties (such as structural, functional, and spatial information, amino acid conservation, physicochemical variation, residue mobility, and thermodynamic stability) performed at Invitae indicates that this missense variant is expected to disrupt IHH protein function. This sequence change replaces leucine, which is neutral and non-polar, with proline, which is neutral and non-polar, at codon 111 of the IHH protein (p.Leu111Pro). This variant is not present in population databases (gnomAD no frequency).

NM_002181.4(IHH):c.332T>C (p.Leu111Pro)

Gene: IHH (Indian hedgehog signaling molecule; minus strand). Cytogenetic location: 2q35.
Variant type: single nucleotide variant.
Coding change: c.332T>C on transcript NM_002181.4 (MANE Select); coding-DNA position 332, T replaced by C.
Protein change: p.Leu111Pro; replaces leucine 111 with proline.
Molecular consequence: missense variant.
Genome position (GRCh38, 1-based): chr2:219,057,678, A>G on the plus strand (T>C on the coding strand, the complement: IHH is on the minus strand). VCF-style: chr2-219057678-A-G. GRCh37 (hg19) VCF-style: chr2-219922400-A-G.
Other names: short protein forms L111P.
Identifiers: ClinVar variation 1479592 (VCV001479592.7), dbSNP rs2106308596, ClinGen allele CA350635871.